The following is an entry in ClinVar:

NM_012338.4(TSPAN12):c.431G>A (p.Arg144Gln)

Gene: TSPAN12 (tetraspanin 12; minus strand). Cytogenetic location: 7q31.31.
Variant type: single nucleotide variant.
Coding change: c.431G>A on transcript NM_012338.4 (MANE Select); coding-DNA position 431, G replaced by A.
Protein change: p.Arg144Gln; replaces arginine 144 with glutamine.
Molecular consequence: missense variant.
Genome position (GRCh38, 1-based): chr7:120,810,500, C>T on the plus strand (G>A on the coding strand, the complement: TSPAN12 is on the minus strand). VCF-style: chr7-120810500-C-T. GRCh37 (hg19) VCF-style: chr7-120450554-C-T.
Other names: short protein forms R144Q.
Identifiers: ClinVar variation 844492 (VCV000844492.11), dbSNP rs374977768, ClinGen allele CA4453892.

ClinVar aggregate classification (germline): Uncertain significance. Review status: criteria provided, multiple submitters, no conflicts (2 of 4 stars). 3 submissions from 3 submitters: Uncertain significance (3). Last evaluated 2025-04-16.

Conditions:
Inborn genetic diseases. Identifiers: MedGen C0950123, MeSH D030342.
TSPAN12-related disorder. Also called: TSPAN12-related condition.

Allele frequency attached by ClinVar (database versions not stated): TOPMed 0.00003; gnomAD 0.00006; ESP Exome Variant Server 0.00008.
gnomAD v4.1: 44 of 1,613,542 alleles (0.0027%); highest among the groups gnomAD compares: Middle Eastern, 0.016%; no homozygotes.

Submissions (3):

Labcorp Genetics (formerly Invitae), Labcorp
Classification: Uncertain significance. Last evaluated: 2025-04-16. Review status: criteria provided, single submitter. Criteria: Invitae Variant Classification Sherloc (09022015). Collection method: clinical testing. Allele origin: germline.
Comment: This sequence change replaces arginine, which is basic and polar, with glutamine, which is neutral and polar, at codon 144 of the TSPAN12 protein (p.Arg144Gln). This variant is present in population databases (rs374977768, gnomAD 0.01%). This variant has not been reported in the literature in individuals affected with TSPAN12-related conditions. ClinVar contains an entry for this variant (Variation ID: 844492). Invitae Evidence Modeling of protein sequence and biophysical properties (such as structural, functional, and spatial information, amino acid conservation, physicochemical variation, residue mobility, and thermodynamic stability) indicates that this missense variant is not expected to disrupt TSPAN12 protein function with a negative predictive value of 80%. In summary, the available evidence is currently insufficient to determine the role of this variant in disease. Therefore, it has been classified as a Variant of Uncertain Significance.

PreventionGenetics, part of Exact Sciences
Classification: Uncertain significance for TSPAN12-related condition. Last evaluated: 2024-12-27. Review status: criteria provided, single submitter. Criteria: ACMG Guidelines, 2015. Collection method: clinical testing. Allele origin: germline.
Comment: The TSPAN12 c.431G>A variant is predicted to result in the amino acid substitution p.Arg144Gln. To our knowledge, this variant has not been reported in the literature. This variant is reported in 0.0093% of alleles in individuals of European (Non-Finnish) descent in gnomAD. At this time, the clinical significance of this variant is uncertain due to the absence of conclusive functional and genetic evidence.

Ambry Genetics
Classification: Uncertain significance for Inborn genetic diseases. Last evaluated: 2024-06-13. Review status: criteria provided, single submitter. Criteria: Ambry Variant Classification Scheme 2023. Collection method: clinical testing. Allele origin: germline.